The following is an entry in ClinVar:

NM_005475.3(SH2B3):c.332C>G (p.Ala111Gly)

Gene: SH2B3 (SH2B adaptor protein 3; plus strand). Cytogenetic location: 12q24.12.
Variant type: single nucleotide variant.
Coding change: c.332C>G on transcript NM_005475.3 (MANE Select); coding-DNA position 332, C replaced by G.
Protein change: p.Ala111Gly; replaces alanine 111 with glycine.
Molecular consequence: missense variant.
Genome position (GRCh38, 1-based): chr12:111,418,477, C>G. VCF-style: chr12-111418477-C-G. GRCh37 (hg19) VCF-style: chr12-111856281-C-G.
Other names: short protein forms A111G.
Identifiers: ClinVar variation 3953399 (VCV003953399.1).

ClinVar aggregate classification (germline): Uncertain significance (1 of 4 stars; one submission).

Conditions:
Inborn genetic diseases. Identifiers: MedGen C0950123, MeSH D030342.

Submission:

Ambry Genetics
Classification: Uncertain significance for Inborn genetic diseases. Last evaluated: 2025-03-29. Review status: criteria provided, single submitter. Criteria: Ambry Variant Classification Scheme 2023. Collection method: clinical testing. Allele origin: germline.
Comment: The p.A111G variant (also known as c.332C>G), located in coding exon 1 of the SH2B3 gene, results from a C to G substitution at nucleotide position 332. The alanine at codon 111 is replaced by glycine, an amino acid with similar properties. This amino acid position is conserved. In addition, this alteration is predicted to be tolerated by in silico analysis. Based on the available evidence, the clinical significance of this variant remains unclear.